The following is an entry in ClinVar:

NM_000093.5(COL5A1):c.4276G>A (p.Gly1426Ser)

Gene: COL5A1 (collagen type V alpha 1 chain; plus strand). Cytogenetic location: 9q34.3.
Variant type: single nucleotide variant.
Coding change: c.4276G>A on transcript NM_000093.5 (MANE Select); coding-DNA position 4276, G replaced by A.
Protein change: p.Gly1426Ser; replaces glycine 1426 with serine.
Molecular consequence: missense variant.
Genome position (GRCh38, 1-based): chr9:134,818,701, G>A. VCF-style: chr9-134818701-G-A. GRCh37 (hg19) VCF-style: chr9-137710547-G-A.
Other names: c.4276G>A, p.Gly1426Ser (NM_001278074.1); c.4276G>A (NM_000093.3); short protein forms G1426S.
Identifiers: ClinVar variation 459691 (VCV000459691.10), dbSNP rs374868484, ClinGen allele CA5320229.
Genomic context (GRCh38, chr9:134,818,701, plus strand): 5'-TCCGCCGTCCTGCAGGGAGAAGCCGGCTTGGAAGGCCCTCCTGGGAAGACTGGCCCCATC[G>A]GCCCCCAGGGGGCCCCTGGGAAGCCCGGACCGGATGGCCTTCGAGGGATCCCTGGCCCTG-3'
Protein context (NP_000084.3, residues 1416-1436): EGPPGKTGPI[Gly1426Ser]PQGAPGKPGP

ClinVar aggregate classification (germline): Uncertain significance. Review status: criteria provided, multiple submitters, no conflicts (2 of 4 stars). 3 submissions from 3 submitters: Uncertain significance (2). 1 of the submissions does not count toward it. Last evaluated 2025-01-16.

Conditions:
Ehlers-Danlos syndrome, classic type, 1 (EDSCL1). Also called: EHLERS-DANLOS SYNDROME, GRAVIS TYPE; EHLERS-DANLOS SYNDROME, SEVERE CLASSIC TYPE; EDS I; Ehlers-Danlos Syndrome, Classic Type, COL5A1-Related; Ehlers-Danlos syndrome, type 1. Identifiers: MedGen C0268335, MONDO:0019567, OMIM 130000.
Familial thoracic aortic aneurysm and aortic dissection (TAAD). Also called: Thoracic aortic aneurysms and dissections. Identifiers: Orphanet 91387, MedGen C4707243, MONDO:0019625.

Allele frequency attached by ClinVar (database versions not stated): gnomAD 0.00001; ESP Exome Variant Server 0.00008; ExAC 0.00001; TOPMed 0.00002; gnomAD exomes 0.00001.
gnomAD v4.1: 12 of 1,610,118 alleles (0.00075%); highest among the groups gnomAD compares: Admixed American, 0.0067%; no homozygotes.

Submissions (3):

GeneDx
Classification: Uncertain significance. Last evaluated: 2025-01-16. Review status: criteria provided, single submitter. Criteria: GeneDx Variant Classification Process June 2021. Collection method: clinical testing. Allele origin: germline. Affected: yes.
Comment: Not observed at significant frequency in large population cohorts (gnomAD); In silico analysis supports that this missense variant has a deleterious effect on protein structure/function; Has not been previously published as pathogenic or benign to our knowledge; This variant is associated with the following publications: (PMID: 22696272)

Labcorp Genetics (formerly Invitae), Labcorp
Classification: Uncertain significance for Ehlers-Danlos syndrome, classic type, 1. Last evaluated: 2021-08-09. Review status: criteria provided, single submitter. Criteria: Invitae Variant Classification Sherloc (09022015). Collection method: clinical testing. Allele origin: germline.
Comment: This sequence change replaces glycine with serine at codon 1426 of the COL5A1 protein (p.Gly1426Ser). The glycine residue is highly conserved and there is a small physicochemical difference between glycine and serine. This variant is present in population databases (rs374868484, ExAC 0.01%). This variant has not been reported in the literature in individuals affected with COL5A1-related conditions. ClinVar contains an entry for this variant (Variation ID: 459691). Advanced modeling of protein sequence and biophysical properties (such as structural, functional, and spatial information, amino acid conservation, physicochemical variation, residue mobility, and thermodynamic stability) performed at Invitae indicates that this missense variant is expected to disrupt COL5A1 protein function. This variant disrupts the triple helix domain of COL5A1. Glycine residues within the Gly-Xaa-Yaa repeats of the triple helix domain are required for the structure and stability of fibrillar collagens (PMID: 7695699, 8218237, 19344236), and variants at these glycine residues in COL5A1 are more frequently observed in individuals with disease than in the general population (PMID: 22696272, 23587214). However, the clinical significance of this observation remains uncertain since only a limited number of affected individuals have been described to date. In summary, the available evidence is currently insufficient to determine the role of this variant in disease. Therefore, it has been classified as a Variant of Uncertain Significance.

Département de Génétique, Hôpital Bichat, Assistance Publique Hôpitaux de Paris
Classification: Likely pathogenic for Familial thoracic aortic aneurysm and aortic dissection. Last evaluated: 2025-05-27. Review status: no assertion criteria provided. Collection method: clinical testing. Allele origin: germline. Affected: yes. Not counted in ClinVar's aggregate classification.

Literature cited by the submitters: PubMed 7695699 (cited by Labcorp Genetics (formerly Invitae), Labcorp); PubMed 8218237 (cited by Labcorp Genetics (formerly Invitae), Labcorp); PubMed 19344236 (cited by Labcorp Genetics (formerly Invitae), Labcorp); PubMed 22696272 (cited by Labcorp Genetics (formerly Invitae), Labcorp); PubMed 23587214 (cited by Labcorp Genetics (formerly Invitae), Labcorp).